The following is an entry in ClinVar:

ClinVar aggregate classification (germline): Uncertain significance (1 of 4 stars; one submission).

Conditions:
Paroxysmal nonkinesigenic dyskinesia. Also called: Paroxysmal non-kinesigenic dyskinesia. Identifiers: Orphanet 98810, MedGen C1869117, MONDO:0700088.

Submission:

Labcorp Genetics (formerly Invitae), Labcorp
Classification: Uncertain significance for Paroxysmal nonkinesigenic dyskinesia. Last evaluated: 2024-06-09. Review status: criteria provided, single submitter. Criteria: Invitae Variant Classification Sherloc (09022015). Collection method: clinical testing. Allele origin: germline.
Comment: This sequence change replaces histidine, which is basic and polar, with glutamine, which is neutral and polar, at codon 174 of the PNKD protein (p.His174Gln). This variant is not present in population databases (gnomAD no frequency). This variant has not been reported in the literature in individuals affected with PNKD-related conditions. An algorithm developed to predict the effect of missense changes on protein structure and function (PolyPhen-2) suggests that this variant is likely to be disruptive. In summary, the available evidence is currently insufficient to determine the role of this variant in disease. Therefore, it has been classified as a Variant of Uncertain Significance.

NM_015488.5(PNKD):c.522C>A (p.His174Gln)

Genes: CATIP-AS2 (CATIP antisense RNA 2; minus strand), PNKD (PNKD metallo-beta-lactamase domain containing; plus strand). Cytogenetic location: 2q35.
Variant type: single nucleotide variant.
Coding change: c.522C>A on transcript NM_015488.5 (MANE Select); coding-DNA position 522, C replaced by A.
Protein change: p.His174Gln; replaces histidine 174 with glutamine.
Molecular consequence: missense variant.
Genome position (GRCh38, 1-based): chr2:218,340,784, C>A. VCF-style: chr2-218340784-C-A. GRCh37 (hg19) VCF-style: chr2-219205507-C-A.
Other names: c.450C>A, p.His150Gln (NM_022572.5); short protein forms H150Q, H174Q.
Identifiers: ClinVar variation 3624726 (VCV003624726.2).